The following is an entry in ClinVar:

NM_001142864.4(PIEZO1):c.786C>A (p.Cys262Ter)

Genes: HSALR1 (HSP90AB1 associated lncRNA 1; plus strand), PIEZO1 (piezo type mechanosensitive ion channel component 1 (Er blood group); minus strand). Cytogenetic location: 16q24.3.
Variant type: single nucleotide variant.
Coding change: c.786C>A on transcript NM_001142864.4 (MANE Select); coding-DNA position 786, C replaced by A.
Protein change: p.Cys262Ter; replaces cysteine 262 with a stop codon.
Molecular consequence: nonsense. On other transcripts: non-coding transcript variant (1).
Genome position (GRCh38, 1-based): chr16:88,738,289, G>T on the plus strand (C>A on the coding strand, the complement: PIEZO1 is on the minus strand). VCF-style: chr16-88738289-G-T. GRCh37 (hg19) VCF-style: chr16-88804697-G-T.
Other names: short protein forms C262*.
Identifiers: ClinVar variation 959722 (VCV000959722.7), dbSNP rs1046139839, ClinGen allele CA397123080.

ClinVar aggregate classification (germline): Pathogenic (1 of 4 stars; one submission).

Submission:

Labcorp Genetics (formerly Invitae), Labcorp
Classification: Pathogenic. Last evaluated: 2023-01-23. Review status: criteria provided, single submitter. Criteria: Invitae Variant Classification Sherloc (09022015). Collection method: clinical testing. Allele origin: germline.
Comment: This sequence change creates a premature translational stop signal (p.Cys262*) in the PIEZO1 gene. It is expected to result in an absent or disrupted protein product. Loss-of-function variants in PIEZO1 are known to be pathogenic (PMID: 26333996). This variant is not present in population databases (gnomAD no frequency). This variant has not been reported in the literature in individuals affected with PIEZO1-related conditions. ClinVar contains an entry for this variant (Variation ID: 959722). For these reasons, this variant has been classified as Pathogenic.

Literature cited by the submitters: PubMed 26333996.